The following is an entry in ClinVar:

ClinVar aggregate classification (germline): Uncertain significance (1 of 4 stars; one submission).

Allele frequency attached by ClinVar (database versions not stated): gnomAD exomes below 0.00001; gnomAD 0.00001; TOPMed 0.00002.
gnomAD v4.1: 5 of 1,584,828 alleles (0.00032%); highest among the groups gnomAD compares: Non-Finnish European, 0.00043%; no homozygotes.

Submission:

Labcorp Genetics (formerly Invitae), Labcorp
Classification: Uncertain significance. Last evaluated: 2024-06-03. Review status: criteria provided, single submitter. Criteria: Invitae Variant Classification Sherloc (09022015). Collection method: clinical testing. Allele origin: germline.
Comment: This sequence change affects codon 755 of the DHX37 mRNA. It is a 'silent' change, meaning that it does not change the encoded amino acid sequence of the DHX37 protein. It affects a nucleotide within the consensus splice site. This variant is present in population databases (no rsID available, gnomAD 0.003%). This variant has not been reported in the literature in individuals affected with DHX37-related conditions. ClinVar contains an entry for this variant (Variation ID: 2038415). Algorithms developed to predict the effect of sequence changes on RNA splicing suggest that this variant may disrupt the consensus splice site. In summary, the available evidence is currently insufficient to determine the role of this variant in disease. Therefore, it has been classified as a Variant of Uncertain Significance.

NM_032656.4(DHX37):c.2265G>A (p.Arg755=)

Gene: DHX37 (DEAH-box helicase 37; minus strand). Cytogenetic location: 12q24.31.
Variant type: single nucleotide variant.
Coding change: c.2265G>A on transcript NM_032656.4 (MANE Select); coding-DNA position 2265, G replaced by A.
Protein change: p.Arg755=; no amino-acid change (arginine 755 retained).
Molecular consequence: synonymous variant.
Genome position (GRCh38, 1-based): chr12:124,956,879, C>T on the plus strand (G>A on the coding strand, the complement: DHX37 is on the minus strand). VCF-style: chr12-124956879-C-T. GRCh37 (hg19) VCF-style: chr12-125441425-C-T.
Identifiers: ClinVar variation 2038415 (VCV002038415.4), dbSNP rs1364248127, ClinGen allele CA482291048.